The following is an entry in ClinVar:

NM_012338.4(TSPAN12):c.502T>C (p.Trp168Arg)

Gene: TSPAN12 (tetraspanin 12; minus strand). Cytogenetic location: 7q31.31.
Variant type: single nucleotide variant.
Coding change: c.502T>C on transcript NM_012338.4 (MANE Select); coding-DNA position 502, T replaced by C.
Protein change: p.Trp168Arg; replaces tryptophan 168 with arginine.
Molecular consequence: missense variant.
Genome position (GRCh38, 1-based): chr7:120,806,659, A>G on the plus strand (T>C on the coding strand, the complement: TSPAN12 is on the minus strand). VCF-style: chr7-120806659-A-G. GRCh37 (hg19) VCF-style: chr7-120446713-A-G.
Other names: short protein forms W168R.
Identifiers: ClinVar variation 1719387 (VCV001719387.7), dbSNP rs2485339769, ClinGen allele CA369136444.
Genomic context (GRCh38, chr7:120,806,659, plus strand): 5'-CTGGGAATTCTCTAACACAGCAGGAATCTGGGGGCCAGTCCATCTCTGTCATTTCCAACC[A>G]GTCAGTGAAATATACTACTCCACAGCACTTAAACTGCAAAAAAAATCACTAGTCAGCCTC-3'
Protein context (NP_036470.1, residues 158-178): KCCGVVYFTD[Trp168Arg]LEMTEMDWPP

ClinVar aggregate classification (germline): Conflicting classifications of pathogenicity. Review status: criteria provided, conflicting classifications (1 of 4 stars). 2 submissions from 2 submitters: Likely pathogenic (1); Uncertain significance (1). Last evaluated 2024-10-17.

Conditions:
Exudative vitreoretinopathy 5 (EVR5). Identifiers: Orphanet 891, MedGen C2750079, MONDO:0013218, OMIM 613310.

Submissions (2):

Labcorp Genetics (formerly Invitae), Labcorp
Classification: Uncertain significance. Last evaluated: 2024-10-17. Review status: criteria provided, single submitter. Criteria: Invitae Variant Classification Sherloc (09022015). Collection method: clinical testing. Allele origin: germline.
Comment: This sequence change replaces tryptophan, which is neutral and slightly polar, with arginine, which is basic and polar, at codon 168 of the TSPAN12 protein (p.Trp168Arg). This variant is not present in population databases (gnomAD no frequency). This variant has not been reported in the literature in individuals affected with TSPAN12-related conditions. ClinVar contains an entry for this variant (Variation ID: 1719387). Invitae Evidence Modeling of protein sequence and biophysical properties (such as structural, functional, and spatial information, amino acid conservation, physicochemical variation, residue mobility, and thermodynamic stability) indicates that this missense variant is expected to disrupt TSPAN12 protein function with a positive predictive value of 80%. In summary, the available evidence is currently insufficient to determine the role of this variant in disease. Therefore, it has been classified as a Variant of Uncertain Significance.

DBGen Ocular Genomics
Classification: Likely pathogenic for Exudative vitreoretinopathy 5. Last evaluated: 2022-01-01. Review status: criteria provided, single submitter. Criteria: ACMG Guidelines, 2015. Collection method: clinical testing. Allele origin: inherited. Inheritance: Autosomal dominant inheritance. Affected: yes.
Comment: Class 4 ACMG Guidelines, 2015 (PMID:25741868)